The following is an entry in ClinVar:

NM_002691.4(POLD1):c.124G>A (p.Glu42Lys)

Gene: POLD1 (DNA polymerase delta 1, catalytic subunit; plus strand). Cytogenetic location: 19q13.33.
Variant type: single nucleotide variant.
Coding change: c.124G>A on transcript NM_002691.4 (MANE Select); coding-DNA position 124, G replaced by A.
Protein change: p.Glu42Lys; replaces glutamic acid 42 with lysine.
Molecular consequence: missense variant. On other transcripts: non-coding transcript variant (1).
Genome position (GRCh38, 1-based): chr19:50,398,975, G>A. VCF-style: chr19-50398975-G-A. GRCh37 (hg19) VCF-style: chr19-50902232-G-A.
Other names: c.124G>A, p.Glu42Lys (NM_001256849.1, NM_001308632.1); c.124G>A (NM_002691.2); short protein forms E42K.
Identifiers: ClinVar variation 1034569 (VCV001034569.11), dbSNP rs2038478571, ClinGen allele CA406970189.
Genomic context (GRCh38, chr19:50,398,975, plus strand): 5'-CTCTGGGATGATGATGATGCACCTCGGCCATCCCAATTCGAGGAGGACCTGGCACTGATG[G>A]AGGAGATGGAGGCAGAACACAGGCTGCAGGAGCAGGAGGAGGAGGAGCTGCAGTCAGTCC-3'
Protein context (NP_002682.2, residues 32-52): SQFEEDLALM[Glu42Lys]EMEAEHRLQE

ClinVar aggregate classification (germline): Uncertain significance. Review status: criteria provided, multiple submitters, no conflicts (2 of 4 stars). 2 submissions from 2 submitters: Uncertain significance (2). Last evaluated 2026-05-19.

Conditions:
POLD1-related polyposis and colorectal cancer syndrome (CRCS10). Also called: Colorectal cancer 10; COLORECTAL CANCER, SUSCEPTIBILITY TO, ON CHROMOSOME 19q; Colorectal cancer, susceptibility to, 10. Identifiers: Orphanet 220460, MedGen C2675481, MONDO:0012953, OMIM 612591.
Hereditary cancer-predisposing syndrome. Also called: Tumor predisposition; Hereditary Cancer Syndrome; Hereditary neoplastic syndrome; Neoplastic Syndromes, Hereditary. Identifiers: Orphanet 140162, MedGen C0027672, MeSH D009386, MONDO:0015356.

Submissions (2):

Ambry Genetics
Classification: Uncertain significance for Hereditary cancer-predisposing syndrome. Last evaluated: 2026-05-19. Review status: criteria provided, single submitter. Criteria: Ambry Variant Classification Scheme 2023. Collection method: clinical testing. Allele origin: germline.
Comment: The p.E42K variant (also known as c.124G>A), located in coding exon 1 of the POLD1 gene, results from a G to A substitution at nucleotide position 124. The glutamic acid at codon 42 is replaced by lysine, an amino acid with similar properties. This amino acid position is conserved. In addition, this alteration is predicted to be tolerated by in silico analysis. Based on the available evidence, the clinical significance of this variant remains unclear.

Labcorp Genetics (formerly Invitae), Labcorp
Classification: Uncertain significance for POLD1-related polyposis and colorectal cancer syndrome. Last evaluated: 2022-10-13. Review status: criteria provided, single submitter. Criteria: Invitae Variant Classification Sherloc (09022015). Collection method: clinical testing. Allele origin: germline.
Comment: In summary, the available evidence is currently insufficient to determine the role of this variant in disease. Therefore, it has been classified as a Variant of Uncertain Significance. Algorithms developed to predict the effect of missense changes on protein structure and function are either unavailable or do not agree on the potential impact of this missense change (SIFT: "Tolerated"; PolyPhen-2: "Probably Damaging"; Align-GVGD: "Class C0"). ClinVar contains an entry for this variant (Variation ID: 1034569). This variant has not been reported in the literature in individuals affected with POLD1-related conditions. This variant is not present in population databases (gnomAD no frequency). This sequence change replaces glutamic acid, which is acidic and polar, with lysine, which is basic and polar, at codon 42 of the POLD1 protein (p.Glu42Lys).